The following is an entry in ClinVar:

ClinVar aggregate classification (germline): Uncertain significance. Review status: criteria provided, multiple submitters, no conflicts (2 of 4 stars). 3 submissions from 3 submitters: Uncertain significance (2). 1 of the submissions does not count toward it. Last evaluated 2024-09-15.

Conditions:
Intellectual developmental disorder with dysmorphic facies and behavioral abnormalities. Identifiers: MedGen C4748135, MONDO:0060760, OMIM 618089.
FBXO11-related disorder. Also called: FBXO11-related condition.

gnomAD v4.1: 21 of 1,566,302 alleles (0.0013%); highest among the groups gnomAD compares: East Asian, 0.016%; no homozygotes.

Submissions (3):

Labcorp Genetics (formerly Invitae), Labcorp
Classification: Uncertain significance. Last evaluated: 2024-09-15. Review status: criteria provided, single submitter. Criteria: Invitae Variant Classification Sherloc (09022015). Collection method: clinical testing. Allele origin: germline.
Comment: This sequence change falls in intron 13 of the FBXO11 gene. It does not directly change the encoded amino acid sequence of the FBXO11 protein. It affects a nucleotide within the consensus splice site. The frequency data for this variant in the population databases is considered unreliable, as metrics indicate poor data quality at this position in the gnomAD database. This variant has not been reported in the literature in individuals affected with FBXO11-related conditions. ClinVar contains an entry for this variant (Variation ID: 2139730). Variants that disrupt the consensus splice site are a relatively common cause of aberrant splicing (PMID: 17576681, 9536098). Algorithms developed to predict the effect of sequence changes on RNA splicing suggest that this variant is not likely to affect RNA splicing. In summary, the available evidence is currently insufficient to determine the role of this variant in disease. Therefore, it has been classified as a Variant of Uncertain Significance.

Fulgent Genetics
Classification: Uncertain significance for Intellectual developmental disorder with dysmorphic facies and behavioral abnormalities. Last evaluated: 2024-04-04. Review status: criteria provided, single submitter. Criteria: ACMG Guidelines, 2015. Collection method: clinical testing. Allele origin: germline.

PreventionGenetics, part of Exact Sciences
Classification: Likely benign for FBXO11-related condition. Last evaluated: 2019-03-20. Review status: no assertion criteria provided. Collection method: clinical testing. Allele origin: germline. Not counted in ClinVar's aggregate classification.
Comment: This variant is classified as likely benign based on ACMG/AMP sequence variant interpretation guidelines (Richards et al. 2015 PMID: 25741868, with internal and published modifications).

Literature cited by the submitters: PubMed 17576681 (cited by Labcorp Genetics (formerly Invitae), Labcorp); PubMed 9536098 (cited by Labcorp Genetics (formerly Invitae), Labcorp).

NM_001190274.2(FBXO11):c.1702+6C>T

Gene: FBXO11 (F-box protein 11; minus strand). Cytogenetic location: 2p16.3.
Variant type: single nucleotide variant.
Coding change: c.1702+6C>T on transcript NM_001190274.2 (MANE Select); 6 bases into the intron after coding-DNA position 1702, C replaced by T.
Molecular consequence: intron variant.
Genome position (GRCh38, 1-based): chr2:47,822,212, G>A on the plus strand (C>T on the coding strand, the complement: FBXO11 is on the minus strand). VCF-style: chr2-47822212-G-A. GRCh37 (hg19) VCF-style: chr2-48049351-G-A.
Other names: c.1702+6C>T (NM_001190274.1); c.1450+6C>T (NM_001374325.1, NM_025133.4).
Identifiers: ClinVar variation 2139730 (VCV002139730.7), dbSNP rs1268279181, ClinGen allele CA532355725.